The following is an entry in ClinVar:

NM_001614.5(ACTG1):c.-2C>G

Gene: ACTG1 (actin gamma 1; minus strand). Cytogenetic location: 17q25.3.
Variant type: single nucleotide variant.
Coding change: c.-2C>G on transcript NM_001614.5 (MANE Select); 2 bases upstream of the start codon, C replaced by G.
Molecular consequence: 5 prime UTR variant. On other transcripts: non-coding transcript variant (1).
Genome position (GRCh38, 1-based): chr17:81,512,356, G>C on the plus strand (C>G on the coding strand, the complement: ACTG1 is on the minus strand). VCF-style: chr17-81512356-G-C. GRCh37 (hg19) VCF-style: chr17-79479382-G-C.
Other names: c.-2C>G (NM_001199954.3).
Identifiers: ClinVar variation 3373072 (VCV003373072.1).

ClinVar aggregate classification (germline): Uncertain significance (1 of 4 stars; one submission).

gnomAD v4.1: 1 of 1,613,950 alleles (0.000062%); highest among the groups gnomAD compares: Non-Finnish European, 0.000085%; no homozygotes.

Submission:

GeneDx
Classification: Uncertain significance. Last evaluated: 2024-04-25. Review status: criteria provided, single submitter. Criteria: GeneDx Variant Classification Process June 2021. Collection method: clinical testing. Allele origin: germline. Affected: yes.
Comment: Not observed at significant frequency in large population cohorts (gnomAD); Has not been previously published as pathogenic or benign to our knowledge; Alters the Kozak sequence, which plays a major role in the initiation of translation